The following is an entry in ClinVar:

NM_000548.5(TSC2):c.4731C>T (p.Gly1577=)

Gene: TSC2 (TSC complex subunit 2; plus strand). Cytogenetic location: 16p13.3.
Variant type: single nucleotide variant.
Coding change: c.4731C>T on transcript NM_000548.5 (MANE Select); coding-DNA position 4731, C replaced by T.
Protein change: p.Gly1577=; no amino-acid change (glycine 1577 retained).
Molecular consequence: synonymous variant. On other transcripts: non-coding transcript variant (5).
Genome position (GRCh38, 1-based): chr16:2,086,261, C>T. VCF-style: chr16-2086261-C-T. GRCh37 (hg19) VCF-style: chr16-2136262-C-T.
Other names: c.4530C>T, p.Gly1510= (NM_001077183.3); c.4662C>T, p.Gly1554= (NM_001114382.3); c.4422C>T, p.Gly1474= (NM_001318827.2); c.4386C>T, p.Gly1462= (NM_001318829.2); c.3999C>T, p.Gly1333= (NM_001318831.2); c.4563C>T, p.Gly1521= (NM_001318832.2); c.4533C>T, p.Gly1511= (NM_001363528.2); c.4599C>T, p.Gly1533= (NM_001370404.1); and 26 more.
Identifiers: ClinVar variation 2792524 (VCV002792524.5), dbSNP rs920181663, ClinGen allele CA493043532.

ClinVar aggregate classification (germline): Benign/Likely benign. Review status: criteria provided, multiple submitters, no conflicts (2 of 4 stars). 3 submissions from 3 submitters: Benign (1); Likely benign (2). Last evaluated 2025-06-04.

Conditions:
Hereditary cancer-predisposing syndrome. Also called: Hereditary neoplastic syndrome; Neoplastic Syndromes, Hereditary; Tumor predisposition; Hereditary Cancer Syndrome. Identifiers: Orphanet 140162, MedGen C0027672, MeSH D009386, MONDO:0015356.
Tuberous sclerosis 2 (TSC2). Identifiers: Orphanet 805, MedGen C1860707, MONDO:0013199, OMIM 613254.

Allele frequency attached by ClinVar (database versions not stated): gnomAD 0.00001.
gnomAD v4.1: 1 of 1,612,712 alleles (0.000062%); highest among the groups gnomAD compares: African/African-American, 0.0013%; no homozygotes.

Submissions (3):

Myriad Genetics, Inc.
Classification: Benign for Tuberous sclerosis 2. Last evaluated: 2025-06-04. Review status: criteria provided, single submitter. Criteria: Myriad Autosomal Dominant, Autosomal Recessive and X-Linked Classification Criteria (2023). Collection method: clinical testing. Allele origin: unknown.
Comment: This variant is considered benign. This variant is a silent/synonymous amino acid change and it is not expected to impact splicing.

Ambry Genetics
Classification: Likely benign for Hereditary cancer-predisposing syndrome. Last evaluated: 2023-09-25. Review status: criteria provided, single submitter. Criteria: Ambry Variant Classification Scheme 2023. Collection method: clinical testing. Allele origin: germline.

Labcorp Genetics (formerly Invitae), Labcorp
Classification: Likely benign for Tuberous sclerosis 2. Last evaluated: 2023-01-11. Review status: criteria provided, single submitter. Criteria: Invitae Variant Classification Sherloc (09022015). Collection method: clinical testing. Allele origin: germline.